The following is an entry in ClinVar:

NM_001374736.1(DST):c.4763A>G (p.Asp1588Gly)

Gene: DST (dystonin; minus strand). Cytogenetic location: 6p12.1.
Variant type: single nucleotide variant.
Coding change: c.4763A>G on transcript NM_001374736.1 (MANE Select); coding-DNA position 4763, A replaced by G.
Protein change: p.Asp1588Gly; replaces aspartic acid 1588 with glycine.
Molecular consequence: missense variant.
Genome position (GRCh38, 1-based): chr6:56,625,224, T>C on the plus strand (A>G on the coding strand, the complement: DST is on the minus strand). VCF-style: chr6-56625224-T-C. GRCh37 (hg19) VCF-style: chr6-56490022-T-C.
Other names: c.4664A>G, p.Asp1555Gly (NM_001144769.5); c.4250A>G, p.Asp1417Gly (NM_001144770.2); c.4763A>G, p.Asp1588Gly (NM_001374722.1); c.4130A>G, p.Asp1377Gly (NM_001374729.1, NM_001374730.1, NM_001386100.1 and 1 more transcripts); c.4790A>G, p.Asp1597Gly (NM_001374734.1); c.3152A>G, p.Asp1051Gly (NM_001723.7, NM_015548.5); short protein forms D1588G, D1377G, D1555G, D1597G, D1417G, D1051G.
Identifiers: ClinVar variation 1742269 (VCV001742269.2), dbSNP rs2536845343, ClinGen allele CA364572817.

ClinVar aggregate classification (germline): Uncertain significance (1 of 4 stars; one submission).

Conditions:
Inborn genetic diseases. Identifiers: MedGen C0950123, MeSH D030342.

Allele frequency attached by ClinVar (database versions not stated): gnomAD exomes below 0.00001.
gnomAD v4.1: 1 of 1,613,538 alleles (0.000062%); highest among the groups gnomAD compares: Non-Finnish European, 0.000085%; no homozygotes.

Submission:

Ambry Genetics
Classification: Uncertain significance for Inborn genetic diseases. Last evaluated: 2021-06-14. Review status: criteria provided, single submitter. Criteria: Ambry Variant Classification Scheme 2023. Collection method: clinical testing. Allele origin: germline.
Comment: The p.D1555G variant (also known as c.4664A>G), located in coding exon 34 of the DST gene, results from an A to G substitution at nucleotide position 4664. The aspartic acid at codon 1555 is replaced by glycine, an amino acid with similar properties. This amino acid position is well conserved in available vertebrate species. In addition, the in silico prediction for this alteration is inconclusive. Since supporting evidence is limited at this time, the clinical significance of this alteration remains unclear.